The following is an entry in ClinVar:

NM_018896.5(CACNA1G):c.1328T>C (p.Ile443Thr)

Gene: CACNA1G (calcium voltage-gated channel subunit alpha1 G; plus strand). Cytogenetic location: 17q21.33.
Variant type: single nucleotide variant.
Coding change: c.1328T>C on transcript NM_018896.5 (MANE Select); coding-DNA position 1328, T replaced by C.
Protein change: p.Ile443Thr; replaces isoleucine 443 with threonine.
Molecular consequence: missense variant. On other transcripts: non-coding transcript variant (5).
Genome position (GRCh38, 1-based): chr17:50,575,730, T>C. VCF-style: chr17-50575730-T-C. GRCh37 (hg19) VCF-style: chr17-48653091-T-C.
Other names: c.1328T>C, p.Ile443Thr (NM_001256324.2, NM_001256325.2, NM_001256326.2 and 24 more transcripts); short protein forms I443T.
Identifiers: ClinVar variation 1055373 (VCV001055373.10), dbSNP rs2144881413, ClinGen allele CA400236281.
Genomic context (GRCh38, chr17:50,575,730, plus strand): 5'-TGGCTAGCTTCTCTGAGCCCGGCAGCTGCTATGAGGAGCTGCTCAAGTACCTGGTGTACA[T>C]CCTTCGTAAGGCAGCCCGCAGGCTGGCTCAGGTCTCTCGGGCAGCAGGTGTGCGGGTTGG-3'
Protein context (NP_061496.2, residues 433-453): YEELLKYLVY[Ile443Thr]LRKAARRLAQ

ClinVar aggregate classification (germline): Uncertain significance (1 of 4 stars; one submission).

Submission:

Labcorp Genetics (formerly Invitae), Labcorp
Classification: Uncertain significance. Last evaluated: 2020-02-06. Review status: criteria provided, single submitter. Criteria: Invitae Variant Classification Sherloc (09022015). Collection method: clinical testing. Allele origin: germline.
Comment: In summary, the available evidence is currently insufficient to determine the role of this variant in disease. Therefore, it has been classified as a Variant of Uncertain Significance. Algorithms developed to predict the effect of missense changes on protein structure and function are either unavailable or do not agree on the potential impact of this missense change (SIFT: "Deleterious"; PolyPhen-2: "Benign"; Align-GVGD: "Class C65"). This variant has not been reported in the literature in individuals with CACNA1G-related conditions. This variant is not present in population databases (ExAC no frequency). This sequence change replaces isoleucine with threonine at codon 443 of the CACNA1G protein (p.Ile443Thr). The isoleucine residue is highly conserved and there is a moderate physicochemical difference between isoleucine and threonine.